The following is an entry in ClinVar:

NM_000350.3(ABCA4):c.2716G>A (p.Asp906Asn)

Gene: ABCA4 (ATP binding cassette subfamily A member 4; minus strand). Cytogenetic location: 1p22.1.
Variant type: single nucleotide variant.
Coding change: c.2716G>A on transcript NM_000350.3 (MANE Select); coding-DNA position 2716, G replaced by A.
Protein change: p.Asp906Asn; replaces aspartic acid 906 with asparagine.
Molecular consequence: missense variant.
Genome position (GRCh38, 1-based): chr1:94,048,895, C>T on the plus strand (G>A on the coding strand, the complement: ABCA4 is on the minus strand). VCF-style: chr1-94048895-C-T. GRCh37 (hg19) VCF-style: chr1-94514451-C-T.
Other names: c.2494G>A, p.Asp832Asn (NM_001425324.1); short protein forms D906N, D832N.
Identifiers: ClinVar variation 1366936 (VCV001366936.7), dbSNP rs1406771874, ClinGen allele CA341275921.

ClinVar aggregate classification (germline): Uncertain significance (1 of 4 stars; one submission).

Allele frequency attached by ClinVar (database versions not stated): TOPMed below 0.00001; gnomAD 0.00001.
gnomAD v4.1: 1 of 1,614,012 alleles (0.000062%); highest among the groups gnomAD compares: Non-Finnish European, 0.000085%; no homozygotes.

Submission:

Labcorp Genetics (formerly Invitae), Labcorp
Classification: Uncertain significance. Last evaluated: 2024-11-05. Review status: criteria provided, single submitter. Criteria: Invitae Variant Classification Sherloc (09022015). Collection method: clinical testing. Allele origin: germline.
Comment: This sequence change replaces aspartic acid, which is acidic and polar, with asparagine, which is neutral and polar, at codon 906 of the ABCA4 protein (p.Asp906Asn). This variant is not present in population databases (gnomAD no frequency). This variant has not been reported in the literature in individuals affected with ABCA4-related conditions. ClinVar contains an entry for this variant (Variation ID: 1366936). Invitae Evidence Modeling of protein sequence and biophysical properties (such as structural, functional, and spatial information, amino acid conservation, physicochemical variation, residue mobility, and thermodynamic stability) indicates that this missense variant is not expected to disrupt ABCA4 protein function with a negative predictive value of 95%. In summary, the available evidence is currently insufficient to determine the role of this variant in disease. Therefore, it has been classified as a Variant of Uncertain Significance.